The following is an entry in ClinVar:

NM_001130823.3(DNMT1):c.4454C>T (p.Ser1485Phe)

Gene: DNMT1 (DNA methyltransferase 1; minus strand). Cytogenetic location: 19p13.2.
Variant type: single nucleotide variant.
Coding change: c.4454C>T on transcript NM_001130823.3 (MANE Select); coding-DNA position 4454, C replaced by T.
Protein change: p.Ser1485Phe; replaces serine 1485 with phenylalanine.
Molecular consequence: missense variant.
Genome position (GRCh38, 1-based): chr19:10,137,120, G>A on the plus strand (C>T on the coding strand, the complement: DNMT1 is on the minus strand). VCF-style: chr19-10137120-G-A. GRCh37 (hg19) VCF-style: chr19-10247796-G-A.
Other names: c.4406C>T, p.Ser1469Phe (NM_001318730.2, NM_001379.4); c.4091C>T, p.Ser1364Phe (NM_001318731.2); short protein forms S1485F, S1364F, S1469F.
Identifiers: ClinVar variation 1955624 (VCV001955624.5), dbSNP rs1363710824, ClinGen allele CA403969306.

ClinVar aggregate classification (germline): Uncertain significance (1 of 4 stars; one submission).

Conditions:
Hereditary sensory neuropathy-deafness-dementia syndrome. Also called: Hereditary sensory neuropathy type IE; HSN IE; NEUROPATHY, HEREDITARY SENSORY, WITH HEARING LOSS AND DEMENTIA; Hereditary Sensory and Autonomic Neuropathy Type 1E (HSAN1E). Identifiers: Orphanet 456318, MedGen C3279885, MONDO:0013584, OMIM 614116.

gnomAD v4.1: 1 of 1,611,978 alleles (0.000062%); no homozygotes.

Submission:

Labcorp Genetics (formerly Invitae), Labcorp
Classification: Uncertain significance for Hereditary sensory neuropathy-deafness-dementia syndrome. Last evaluated: 2025-10-06. Review status: criteria provided, single submitter. Criteria: Invitae Variant Classification Sherloc (09022015). Collection method: clinical testing. Allele origin: germline.
Comment: This sequence change replaces serine, which is neutral and polar, with phenylalanine, which is neutral and non-polar, at codon 1485 of the DNMT1 protein (p.Ser1485Phe). This variant is not present in population databases (gnomAD no frequency). This variant has not been reported in the literature in individuals affected with DNMT1-related conditions. ClinVar contains an entry for this variant (Variation ID: 1955624). Invitae Evidence Modeling of protein sequence and biophysical properties (such as structural, functional, and spatial information, amino acid conservation, physicochemical variation, residue mobility, and thermodynamic stability) indicates that this missense variant is not expected to disrupt DNMT1 protein function with a negative predictive value of 95%. In summary, the available evidence is currently insufficient to determine the role of this variant in disease. Therefore, it has been classified as a Variant of Uncertain Significance.